The following is an entry in ClinVar:

ClinVar aggregate classification (germline): Uncertain significance. Review status: criteria provided, multiple submitters, no conflicts (2 of 4 stars). 2 submissions from 2 submitters: Uncertain significance (2). Last evaluated 2023-04-14.

Conditions:
Majeed syndrome (MJDS). Also called: CHRONIC RECURRENT MULTIFOCAL OSTEOMYELITIS 1, WITH CONGENITAL DYSERYTHROPOIETIC ANEMIA, WITH OR WITHOUT NEUTROPHILIC DERMATOSIS; LPIN2-Related Majeed Syndrome. Identifiers: Orphanet 77297, MedGen C1864997, MONDO:0012316, OMIM 609628.

Allele frequency attached by ClinVar (database versions not stated): gnomAD exomes below 0.00001; gnomAD 0.00001.
gnomAD v4.1: 6 of 1,614,024 alleles (0.00037%); highest among the groups gnomAD compares: South Asian, 0.0011%; no homozygotes.

Submissions (2):

ARUP Laboratories, Molecular Genetics and Genomics, ARUP Laboratories
Classification: Uncertain significance for Majeed syndrome. Last evaluated: 2023-04-14. Review status: criteria provided, single submitter. Criteria: ARUP Molecular Germline Variant Investigation Process 2024. Collection method: clinical testing. Allele origin: germline.
Comment: The LPIN2 c.1144G>A; p.Val382Ile variant (rs1486044509), to our knowledge, is not reported in the medical literature but is reported in ClinVar (Variation ID: 1305494). This variant is only observed on one allele in the Genome Aggregation Database, indicating it is not a common polymorphism. Computational analyses are uncertain whether this variant is neutral or deleterious (REVEL: 0.268). Due to limited information, the clinical significance of this variant is uncertain at this time.

GeneDx
Classification: Uncertain significance. Last evaluated: 2019-04-25. Review status: criteria provided, single submitter. Criteria: GeneDx Variant Classification Process June 2021. Collection method: clinical testing. Allele origin: germline. Affected: yes.
Comment: Not observed at a significant frequency in large population cohorts (Lek et al., 2016); Has not been previously published as pathogenic or benign to our knowledge

NM_001375808.2(LPIN2):c.1144G>A (p.Val382Ile)

Gene: LPIN2 (lipin 2; minus strand). Cytogenetic location: 18p11.31.
Variant type: single nucleotide variant.
Coding change: c.1144G>A on transcript NM_001375808.2 (MANE Select); coding-DNA position 1144, G replaced by A.
Protein change: p.Val382Ile; replaces valine 382 with isoleucine.
Molecular consequence: missense variant.
Genome position (GRCh38, 1-based): chr18:2,937,716, C>T on the plus strand (G>A on the coding strand, the complement: LPIN2 is on the minus strand). VCF-style: chr18-2937716-C-T. GRCh37 (hg19) VCF-style: chr18-2937714-C-T.
Other names: c.1144G>A, p.Val382Ile (NM_001375809.1, NM_014646.2); short protein forms V382I.
Identifiers: ClinVar variation 1305494 (VCV001305494.3), dbSNP rs1486044509, ClinGen allele CA401706122.